The following is an entry in ClinVar:

NM_001385012.1(NBEA):c.7858G>C (p.Val2620Leu)

Gene: NBEA (neurobeachin; plus strand). Cytogenetic location: 13q13.3.
Variant type: single nucleotide variant.
Coding change: c.7858G>C on transcript NM_001385012.1 (MANE Select); coding-DNA position 7858, G replaced by C.
Protein change: p.Val2620Leu; replaces valine 2620 with leucine.
Molecular consequence: missense variant.
Genome position (GRCh38, 1-based): chr13:35,649,742, G>C. VCF-style: chr13-35649742-G-C. GRCh37 (hg19) VCF-style: chr13-36223879-G-C.
Other names: c.1174G>C, p.Val392Leu (NM_001204197.3); c.7849G>C, p.Val2617Leu (NM_001379245.1); c.7795G>C, p.Val2599Leu (NM_015678.5); short protein forms V2599L, V2617L, V2620L, V392L.
Identifiers: ClinVar variation 4526552 (VCV004526552.1).
Genomic context (GRCh38, chr13:35,649,742, plus strand): 5'-TTTAAAGATCAGATGCAACAGGATGTGATAATGGTGCTGAAGTTTCCTTCAAATTCTCCA[G>C]TAACCCATGTGGCAGCCAACACTCTGCCCCACTTGACCATCCCCGCAGTGGTGACAGTGA-3'
Protein context (NP_001371941.1, residues 2610-2630): MVLKFPSNSP[Val2620Leu]THVAANTLPH

ClinVar aggregate classification (germline): Uncertain significance (1 of 4 stars; one submission).

Conditions:
Neurodevelopmental disorder with or without early-onset generalized epilepsy. Identifiers: MedGen C5436914, MONDO:0030930, OMIM 619157.

Submission:

MVZ Medizinische Genetik Mainz
Classification: Uncertain significance for Neurodevelopmental disorder with or without early-onset generalized epilepsy. Last evaluated: 2025-09-19. Review status: criteria provided, single submitter. Criteria: UK Practice Guidelines For Variant Classification V4 01 2020. Collection method: clinical testing. Allele origin: germline. Inheritance: Autosomal dominant inheritance. Affected: yes. Observed: 1 variant allele.
Comment: ACMG Criteria: PM2_SUP,PP2